The following is an entry in ClinVar:

ClinVar aggregate classification (germline): Uncertain significance (1 of 4 stars; one submission).

Conditions:
Familial thoracic aortic aneurysm and aortic dissection (TAAD). Also called: Thoracic aortic aneurysms and dissections. Identifiers: Orphanet 91387, MedGen C4707243, MONDO:0019625.

Submission:

Color Diagnostics, LLC DBA Color Health
Classification: Uncertain significance for Familial thoracic aortic aneurysm and aortic dissection. Last evaluated: 2023-12-05. Review status: criteria provided, single submitter. Criteria: ACMG Guidelines, 2015. Collection method: clinical testing. Allele origin: germline.
Comment: This missense variant replaces proline with arginine at codon 2658 of the FBN1 protein. Computational prediction tools and conservation analyses are inconclusive regarding the impact of this variant on the protein function. Computational splicing tools suggest that this variant may not impact RNA splicing. To our knowledge, functional assays have not been performed for this variant nor has this variant been reported in individuals affected with cardiovascular disorders in the literature. This variant has not been identified in the general population by the Genome Aggregation Database (gnomAD). Available evidence is insufficient to determine the role of this variant in disease conclusively. Therefore, this variant is classified as a Variant of Uncertain Significance.

NM_000138.5(FBN1):c.7973C>G (p.Pro2658Arg)

Gene: FBN1 (fibrillin 1; minus strand). Cytogenetic location: 15q21.1.
Variant type: single nucleotide variant.
Coding change: c.7973C>G on transcript NM_000138.5 (MANE Select); coding-DNA position 7973, C replaced by G.
Protein change: p.Pro2658Arg; replaces proline 2658 with arginine.
Molecular consequence: missense variant.
Genome position (GRCh38, 1-based): chr15:48,415,614, G>C on the plus strand (C>G on the coding strand, the complement: FBN1 is on the minus strand). VCF-style: chr15-48415614-G-C. GRCh37 (hg19) VCF-style: chr15-48707811-G-C.
Other names: short protein forms P2658R.
Identifiers: ClinVar variation 924798 (VCV000924798.5), dbSNP rs1348007486, ClinGen allele CA392322863.